The following is an entry in ClinVar:

NM_000550.3(TYRP1):c.1201G>A (p.Val401Ile)

Genes: LURAP1L-AS1 (LURAP1L antisense RNA 1; minus strand), TYRP1 (tyrosinase related protein 1; plus strand). Cytogenetic location: 9p23.
Variant type: single nucleotide variant.
Coding change: c.1201G>A on transcript NM_000550.3 (MANE Select); coding-DNA position 1201, G replaced by A.
Protein change: p.Val401Ile; replaces valine 401 with isoleucine.
Molecular consequence: missense variant.
Genome position (GRCh38, 1-based): chr9:12,704,645, G>A. VCF-style: chr9-12704645-G-A. GRCh37 (hg19) VCF-style: chr9-12704645-G-A.
Other names: short protein forms V401I.
Identifiers: ClinVar variation 2161965 (VCV002161965.1), dbSNP rs1252221087, ClinGen allele CA372942859.

ClinVar aggregate classification (germline): Uncertain significance (1 of 4 stars; one submission).

gnomAD v4.1: 2 of 1,612,990 alleles (0.00012%); highest among the groups gnomAD compares: Admixed American, 0.0017%; no homozygotes.

Submission:

Labcorp Genetics (formerly Invitae), Labcorp
Classification: Uncertain significance. Last evaluated: 2022-07-01. Review status: criteria provided, single submitter. Criteria: Invitae Variant Classification Sherloc (09022015). Collection method: clinical testing. Allele origin: germline.
Comment: This sequence change replaces valine, which is neutral and non-polar, with isoleucine, which is neutral and non-polar, at codon 401 of the TYRP1 protein (p.Val401Ile). This variant is present in population databases (no rsID available, gnomAD 0.003%). This variant has not been reported in the literature in individuals affected with TYRP1-related conditions. Algorithms developed to predict the effect of missense changes on protein structure and function output the following: SIFT: "Tolerated"; PolyPhen-2: "Benign"; Align-GVGD: "Class C0". The isoleucine amino acid residue is found in multiple mammalian species, which suggests that this missense change does not adversely affect protein function. In summary, the available evidence is currently insufficient to determine the role of this variant in disease. Therefore, it has been classified as a Variant of Uncertain Significance.